The following is an entry in ClinVar:

NM_000063.6(C2):c.370C>T (p.Arg124Trp)

Gene: C2 (complement C2; plus strand). Cytogenetic location: 6p21.33.
Variant type: single nucleotide variant.
Coding change: c.370C>T on transcript NM_000063.6 (MANE Select); coding-DNA position 370, C replaced by T.
Protein change: p.Arg124Trp; replaces arginine 124 with tryptophan.
Molecular consequence: missense variant. On other transcripts: genic upstream transcript variant (2), intron variant (1).
Genome position (GRCh38, 1-based): chr6:31,928,845, C>T. VCF-style: chr6-31928845-C-T. GRCh37 (hg19) VCF-style: chr6-31896622-C-T.
Other names: c.283C>T, p.Arg95Trp (NM_001282458.2); c.370C>T, p.Arg124Trp (NM_001282459.2); c.-63-4765C>T (NM_001282457.2); c.74-4765C>T (NM_001178063.3); c.46+1047C>T (NM_001145903.3); short protein forms R124W, R95W.
Identifiers: ClinVar variation 1521890 (VCV001521890.3), dbSNP rs200459401, ClinGen allele CA3727354.

ClinVar aggregate classification (germline): Uncertain significance (1 of 4 stars; one submission).

Allele frequency attached by ClinVar (database versions not stated): gnomAD exomes below 0.00001; TOPMed below 0.00001; ExAC 0.00001; gnomAD 0.00001; 1000 Genomes Project 30x 0.00016; 1000 Genomes Project 0.00020.
gnomAD v4.1: 5 of 1,614,194 alleles (0.00031%); highest among the groups gnomAD compares: African/African-American, 0.004%; no homozygotes.

Submission:

Labcorp Genetics (formerly Invitae), Labcorp
Classification: Uncertain significance. Last evaluated: 2021-11-01. Review status: criteria provided, single submitter. Criteria: Invitae Variant Classification Sherloc (09022015). Collection method: clinical testing. Allele origin: germline.
Comment: This sequence change replaces arginine, which is basic and polar, with tryptophan, which is neutral and slightly polar, at codon 124 of the C2 protein (p.Arg124Trp). This variant is present in population databases (rs200459401, gnomAD 0.005%). This variant has not been reported in the literature in individuals affected with C2-related conditions. Algorithms developed to predict the effect of missense changes on protein structure and function are either unavailable or do not agree on the potential impact of this missense change (SIFT: "Deleterious"; PolyPhen-2: "Probably Damaging"; Align-GVGD: "Class C0"). In summary, the available evidence is currently insufficient to determine the role of this variant in disease. Therefore, it has been classified as a Variant of Uncertain Significance.